The following is an entry in ClinVar:

NM_004304.5(ALK):c.1703T>C (p.Leu568Pro)

Gene: ALK (ALK receptor tyrosine kinase; minus strand). Cytogenetic location: 2p23.2.
Variant type: single nucleotide variant.
Coding change: c.1703T>C on transcript NM_004304.5 (MANE Select); coding-DNA position 1703, T replaced by C.
Protein change: p.Leu568Pro; replaces leucine 568 with proline.
Molecular consequence: missense variant.
Genome position (GRCh38, 1-based): chr2:29,297,002, A>G on the plus strand (T>C on the coding strand, the complement: ALK is on the minus strand). VCF-style: chr2-29297002-A-G. GRCh37 (hg19) VCF-style: chr2-29519868-A-G.
Other names: c.1703T>C (NM_004304.4); short protein forms L568P.
Identifiers: ClinVar variation 1038149 (VCV001038149.9), dbSNP rs1666205873, ClinGen allele CA346466419.
Genomic context (GRCh38, chr2:29,297,002, plus strand): 5'-TCATAGGCGGCGACATGCCAGACCATCCTGCCTTGCTCCTTCCCGGTTTTGTTCTCCACT[A>G]GCACCAAGGACACGTTTCCCCTCAAGACTCCACGAATGAGCCAGGACATTCGGAGCTGTG-3'
Protein context (NP_004295.2, residues 558-578): GVLRGNVSLV[Leu568Pro]VENKTGKEQG

ClinVar aggregate classification (germline): Uncertain significance. Review status: criteria provided, multiple submitters, no conflicts (2 of 4 stars). 2 submissions from 2 submitters: Uncertain significance (2). Last evaluated 2026-02-14.

Conditions:
Neuroblastoma, susceptibility to, 3. Also called: ALK-Related Neuroblastic Tumor Susceptibility. Identifiers: Orphanet 635, MedGen C2751681, MONDO:0013083, OMIM 613014.
Hereditary cancer-predisposing syndrome. Also called: Hereditary Cancer Syndrome; Neoplastic Syndromes, Hereditary; Tumor predisposition; Hereditary neoplastic syndrome. Identifiers: Orphanet 140162, MedGen C0027672, MeSH D009386, MONDO:0015356.

Submissions (2):

Ambry Genetics
Classification: Uncertain significance for Hereditary cancer-predisposing syndrome. Last evaluated: 2026-02-14. Review status: criteria provided, single submitter. Criteria: Ambry Variant Classification Scheme 2023. Collection method: clinical testing. Allele origin: germline.
Comment: The p.L568P variant (also known as c.1703T>C), located in coding exon 9 of the ALK gene, results from a T to C substitution at nucleotide position 1703. The leucine at codon 568 is replaced by proline, an amino acid with similar properties. This amino acid position is conserved. In addition, the in silico prediction for this alteration is inconclusive. Based on the available evidence, the clinical significance of this variant remains unclear.

Labcorp Genetics (formerly Invitae), Labcorp
Classification: Uncertain significance for Neuroblastoma, susceptibility to, 3. Last evaluated: 2020-07-26. Review status: criteria provided, single submitter. Criteria: Invitae Variant Classification Sherloc (09022015). Collection method: clinical testing. Allele origin: germline.
Comment: In summary, the available evidence is currently insufficient to determine the role of this variant in disease. Therefore, it has been classified as a Variant of Uncertain Significance. Algorithms developed to predict the effect of missense changes on protein structure and function (SIFT, PolyPhen-2, Align-GVGD) all suggest that this variant is likely to be disruptive, but these predictions have not been confirmed by published functional studies and their clinical significance is uncertain. This variant has not been reported in the literature in individuals with ALK-related conditions. This variant is not present in population databases (ExAC no frequency). This sequence change replaces leucine with proline at codon 568 of the ALK protein (p.Leu568Pro). The leucine residue is highly conserved and there is a moderate physicochemical difference between leucine and proline.